The following is an entry in ClinVar:

NM_000543.5(SMPD1):c.1264-1G>T

Gene: SMPD1 (sphingomyelin phosphodiesterase 1; plus strand). Cytogenetic location: 11p15.4.
Variant type: single nucleotide variant.
Coding change: c.1264-1G>T on transcript NM_000543.5 (MANE Select); the canonical splice acceptor site of the intron before coding-DNA position 1264, G replaced by T.
Molecular consequence: splice acceptor variant.
Genome position (GRCh38, 1-based): chr11:6,393,616, G>T. VCF-style: chr11-6393616-G-T. GRCh37 (hg19) VCF-style: chr11-6414846-G-T.
Other names: c.343-1G>T (NM_001318088.2); c.1132-1G>T (NM_001365135.2); c.1264-1G>T (NM_001318087.2); c.1261-1G>T (NM_001007593.3).
Identifiers: ClinVar variation 370394 (VCV000370394.23), dbSNP rs1057516454, ClinGen allele CA16041484.

ClinVar aggregate classification (germline): Likely pathogenic. Review status: criteria provided, multiple submitters, no conflicts (2 of 4 stars). 8 submissions from 8 submitters: Likely pathogenic (7). 1 of the submissions does not count toward it. Last evaluated 2026-06-09.

Conditions:
Niemann-Pick disease, type A. Also called: Infantile Neurovisceral ASMD (Niemann-Pick Disease Type A; NPD-A); SPHINGOMYELIN LIPIDOSIS; SPHINGOMYELINASE DEFICIENCY. Identifiers: Orphanet 77292, MedGen C0268242, MONDO:0009756, OMIM 257200. Disease mechanism: loss of function.
Niemann-Pick disease, type B. Also called: Chronic Visceral ASMD (Niemann-Pick Disease Type B; NPD-B). Identifiers: Orphanet 77293, MedGen C0268243, MONDO:0011871, OMIM 607616. Disease mechanism: loss of function.
SMPD1-related disorder. Also called: SMPD1-related condition.
Sphingomyelin/cholesterol lipidosis. Also called: Niemann-Pick disease. Identifiers: MedGen C0028064, MONDO:0001982.

Allele frequency attached by ClinVar (database versions not stated): gnomAD exomes below 0.00001; TOPMed 0.00001.

Submissions (8):

PreventionGenetics, part of Exact Sciences
Classification: Likely pathogenic for SMPD1-related condition. Last evaluated: 2026-06-09. Review status: criteria provided, single submitter. Criteria: ACMG Guidelines, 2015. Collection method: clinical testing. Allele origin: germline.
Comment: The SMPD1 c.1264-1G>T variant is predicted to disrupt the AG splice acceptor site and interfere with normal splicing. To our knowledge, this variant has not been reported in the literature. This variant is reported in 0.00090% of alleles in individuals of European (Non-Finnish) descent in gnomAD. Variants that disrupt the consensus splice acceptor site in SMPD1 are expected to be pathogenic. This variant is interpreted as likely pathogenic.

Natera, Inc.
Classification: Likely pathogenic for Niemann-Pick Disease, Types A/B. Last evaluated: 2025-10-04. Review status: criteria provided, single submitter. Criteria: Natera Variant Classification Schema (03/2026). Collection method: clinical testing. Allele origin: germline.
Comment: The c.1264-1G>T variant in SMPD1 is a canonical splice acceptor site variant predicted to affect pre-mRNA splicing, which may result in an abnormal transcript and altered protein product. This variant is expected to result in nonsense mediated decay, truncation, or a dysfunctional protein product. This variant is rare in the general population with a frequency below the threshold expected for the associated phenotype(s). Given the available evidence, this variant is classified as Likely Pathogenic.

Fulgent Genetics
Classification: Likely pathogenic for Niemann-Pick disease, type A; Niemann-Pick disease, type B. Last evaluated: 2024-02-10. Review status: criteria provided, single submitter. Criteria: ACMG Guidelines, 2015. Collection method: clinical testing. Allele origin: germline.

Baylor Genetics
Classification: Likely pathogenic for Niemann-Pick disease, type A. Last evaluated: 2024-02-08. Review status: criteria provided, single submitter. Criteria: ACMG Guidelines, 2015. Collection method: clinical testing. Allele origin: unknown.

Labcorp Genetics (formerly Invitae), Labcorp
Classification: Likely pathogenic for Niemann-Pick disease, type B; Niemann-Pick disease, type A. Last evaluated: 2023-09-06. Review status: criteria provided, single submitter. Criteria: Invitae Variant Classification Sherloc (09022015). Collection method: clinical testing. Allele origin: germline.
Comment: In summary, the currently available evidence indicates that the variant is pathogenic, but additional data are needed to prove that conclusively. Therefore, this variant has been classified as Likely Pathogenic. Algorithms developed to predict the effect of sequence changes on RNA splicing suggest that this variant may disrupt the consensus splice site. ClinVar contains an entry for this variant (Variation ID: 370394). This variant has not been reported in the literature in individuals affected with SMPD1-related conditions. This variant is present in population databases (no rsID available, gnomAD 0.0009%). This sequence change affects an acceptor splice site in intron 3 of the SMPD1 gene. It is expected to disrupt RNA splicing. Variants that disrupt the donor or acceptor splice site typically lead to a loss of protein function (PMID: 16199547), and loss-of-function variants in SMPD1 are known to be pathogenic (PMID: 12369017, 15221801).

Women's Health and Genetics/Laboratory Corporation of America, LabCorp
Classification: Likely pathogenic for Niemann-Pick disease, type A. Last evaluated: 2022-12-12. Review status: criteria provided, single submitter. Criteria: LabCorp Variant Classification Summary - May 2015. Collection method: clinical testing. Allele origin: germline.
Comment: Variant summary: SMPD1 c.1264-1G>T is located in a canonical splice-site and is predicted to affect mRNA splicing resulting in a significantly altered protein due to either exon skipping, shortening, or inclusion of intronic material. Several computational tools predict a significant impact on normal splicing: Four predict the variant abolishes a 3 acceptor site. However, these predictions have yet to be confirmed by functional studies. The variant allele was found at a frequency of 4e-06 in 249036 control chromosomes (gnomAD). To our knowledge, no occurrence of c.1264-1G>T in individuals affected with Niemann-Pick Disease Type A and no experimental evidence demonstrating its impact on protein function have been reported. Four ClinVar submitters (evaluation after 2014) cite this variant as likely pathogenic. Based on the evidence outlined above, the variant was classified as likely pathogenic.

Broad Center for Mendelian Genomics, Broad Institute of MIT and Harvard
Classification: Likely pathogenic for Sphingomyelin/cholesterol lipidosis. Last evaluated: 2020-01-22. Review status: criteria provided, single submitter. Criteria: ACMG Guidelines, 2015. Collection method: curation. Allele origin: germline. Inheritance: Autosomal recessive inheritance.
Comment: The c.1264-1G>T variant in SMPD1 has not been previously reported in individuals with Niemann-Pick disease but has been identified in 0.001% (1/111372) of European (non-Finnish) chromosomes by the Genome Aggregation Database (gnomAD; dbSNP rs1057516454). Although this variant has been seen in the general population, its frequency is low enough to be consistent with a recessive carrier frequency. This variant has also been reported in ClinVar (VariationID: 370394) as likely pathogenic by Counsyl. This variant occurs in the invariant region (+/- 1/2) of the splice consensus sequence and is predicted to cause altered splicing leading to an abnormal or absent protein. Loss of function of the SMPD1 gene is an established disease mechanism in autosomal recessive Niemann-Pick disease. In summary, although additional studies are required to fully establish its clinical significance, this variant is likely pathogenic. ACMG/AMP Criteria applied: PVS1, PM2 (Richards 2015).

Counsyl
Classification: Likely pathogenic for Niemann-Pick disease, type A. Last evaluated: 2016-02-01. Review status: no assertion criteria provided. Collection method: clinical testing. Allele origin: unknown. Not counted in ClinVar's aggregate classification.

Literature cited by the submitters: PubMed 16199547 (cited by Labcorp Genetics (formerly Invitae), Labcorp); PubMed 12369017 (cited by Labcorp Genetics (formerly Invitae), Labcorp); PubMed 15221801 (cited by Labcorp Genetics (formerly Invitae), Labcorp); PubMed 35747619 (cited by Women's Health and Genetics/Laboratory Corporation of America, LabCorp).